The following is an entry in ClinVar:

ClinVar aggregate classification (germline): Likely benign (1 of 4 stars; one submission).

gnomAD v4.1: 10 of 1,614,238 alleles (0.00062%); highest among the groups gnomAD compares: Non-Finnish European, 0.00085%; no homozygotes.

Submission:

Mayo Clinic Laboratories, Mayo Clinic
Classification: Likely benign. Last evaluated: 2025-09-08. Review status: criteria provided, single submitter. Criteria: ACMG Guidelines, 2015. Collection method: clinical testing. Allele origin: germline. Observed: 1 variant allele.
Comment: BP4, BP7

NM_001206671.4(RIC3):c.783A>T (p.Ile261=)

Gene: RIC3 (RIC3 acetylcholine receptor chaperone; minus strand). Cytogenetic location: 11p15.4.
Variant type: single nucleotide variant.
Coding change: c.783A>T on transcript NM_001206671.4 (MANE Select); coding-DNA position 783, A replaced by T.
Protein change: p.Ile261=; no amino-acid change (isoleucine 261 retained).
Molecular consequence: synonymous variant. On other transcripts: non-coding transcript variant (3), 3 prime UTR variant (1).
Genome position (GRCh38, 1-based): chr11:8,111,025, T>A on the plus strand (A>T on the coding strand, the complement: RIC3 is on the minus strand). VCF-style: chr11-8111025-T-A. GRCh37 (hg19) VCF-style: chr11-8132572-T-A.
Other names: p.Ile261=; c.720A>T, p.Ile240= (NM_001346693.2); c.636A>T, p.Ile212= (NM_001346694.2); c.780A>T, p.Ile260= (NM_024557.6); c.237A>T, p.Ile79= (NM_001135109.4); c.540A>T, p.Ile180= (NM_001206672.4); c.297A>T, p.Ile99= (NM_001346690.2); c.*103A>T (NM_001346691.2); and 1 more.
Identifiers: ClinVar variation 4683587 (VCV004683587.1).